The following is an entry in ClinVar:

NM_022132.5(MCCC2):c.1229G>A (p.Gly410Asp)

Gene: MCCC2 (methylcrotonyl-CoA carboxylase subunit 2; plus strand). Cytogenetic location: 5q13.2.
Variant type: single nucleotide variant.
Coding change: c.1229G>A on transcript NM_022132.5 (MANE Select); coding-DNA position 1229, G replaced by A.
Protein change: p.Gly410Asp; replaces glycine 410 with aspartic acid.
Molecular consequence: missense variant.
Genome position (GRCh38, 1-based): chr5:71,649,109, G>A. VCF-style: chr5-71649109-G-A. GRCh37 (hg19) VCF-style: chr5-70944936-G-A.
Other names: c.1115G>A, p.Gly372Asp (NM_001363147.1); short protein forms G372D, G410D.
Identifiers: ClinVar variation 4881087 (VCV004881087.2).
Genomic context (GRCh38, chr5:71,649,109, plus strand): 5'-CATATTAATCCCATCACCCAGAGGCTCTCTTTCTGATCTTTCTCTCAGGATTTATGGTTG[G>A]TAGAGAGTATGAAGCTGAAGGAATTGCCAAGGATGGTGCCAAGATGGTGGCCGCTGTGGC-3'
Protein context (NP_071415.1, residues 400-420): FLQNITGFMV[Gly410Asp]REYEAEGIAK

ClinVar aggregate classification (germline): Uncertain significance (1 of 4 stars; one submission).

gnomAD v4.1: 3 of 1,614,120 alleles (0.00019%); highest among the groups gnomAD compares: African/African-American, 0.0013%; no homozygotes.

Submission:

Dasa
Classification: Uncertain significance. Last evaluated: 2025-03-08. Review status: criteria provided, single submitter. Criteria: DASA Assertion Criteria. Collection method: clinical testing. Allele origin: germline.
Comment: NM_022132.5(MCCC2):c.1229G>A (p.Gly410Asp) is a missense variant that results in the substitution of glycine with aspartic acid. This variant is rare in population databases. Computational prediction algorithms are consistent with a deleterious effect. The currently available literature and clinical evidence are not sufficient to establish a definitive association between this variant and the reported condition. Therefore, this variant is classified as a variant of uncertain significance.